The following is an entry in ClinVar:

NM_001034853.2(RPGR):c.749G>A (p.Cys250Tyr)

Gene: RPGR (retinitis pigmentosa GTPase regulator; minus strand). Cytogenetic location: Xp11.4.
Variant type: single nucleotide variant.
Coding change: c.749G>A on transcript NM_001034853.2 (MANE Select); coding-DNA position 749, G replaced by A.
Protein change: p.Cys250Tyr; replaces cysteine 250 with tyrosine.
Molecular consequence: missense variant. On other transcripts: non-coding transcript variant (6).
Genome position (GRCh38, 1-based): chrX:38,310,644, C>T on the plus strand (G>A on the coding strand, the complement: RPGR is on the minus strand). VCF-style: chrX-38310644-C-T. GRCh37 (hg19) VCF-style: chrX-38169897-C-T.
Other names: c.749G>A, p.Cys250Tyr (NM_000328.3, NM_001367246.1, NM_001367247.1 and 1 more transcripts); c.746G>A, p.Cys249Tyr (NM_001367245.1, NM_001367249.1, NM_001367250.1); c.779G>A, p.Cys260Tyr (NM_001367248.1); short protein forms C250Y, C260Y, C249Y.
Identifiers: ClinVar variation 803970 (VCV000803970.11), dbSNP rs1601961064, ClinGen allele CA412742575.

ClinVar aggregate classification (germline): Pathogenic/Likely pathogenic. Review status: criteria provided, multiple submitters, no conflicts (2 of 4 stars). 4 submissions from 4 submitters: Pathogenic (1); Likely pathogenic (3). Last evaluated 2026-01-01.

Conditions:
Primary ciliary dyskinesia. Also called: Ciliary dyskinesia. Identifiers: Orphanet 244, MedGen C0008780, MONDO:0016575, HP:0012265.
Retinitis pigmentosa (RP). Identifiers: Orphanet 791, MedGen C0035334, MeSH D012174, MONDO:0019200, OMIM 268000. Inheritance: Autosomal dominant, autosomal recessive and X linked inheritance.
RPGR-related disorder. Also called: RPGR-related condition.

Submissions (4):

CeGaT Center for Human Genetics Tuebingen
Classification: Likely pathogenic. Last evaluated: 2026-01-01. Review status: criteria provided, single submitter. Criteria: CeGaT Center For Human Genetics Tuebingen Variant Classification Criteria Version 2. Collection method: clinical testing. Allele origin: germline. Affected: yes. Observed: 1 variant allele.
Comment: RPGR: PM2, PM5, PM1:Supporting, PS4:Supporting

Blueprint Genetics
Classification: Likely pathogenic for RPGR-related disorders. Last evaluated: 2022-07-18. Review status: criteria provided, single submitter. Criteria: ACMG Guidelines, 2015. Collection method: clinical testing. Allele origin: germline. Affected: yes. Observed: 1 variant allele.

Labcorp Genetics (formerly Invitae), Labcorp
Classification: Likely pathogenic for Primary ciliary dyskinesia. Last evaluated: 2022-03-20. Review status: criteria provided, single submitter. Criteria: Invitae Variant Classification Sherloc (09022015). Collection method: clinical testing. Allele origin: germline.
Comment: This sequence change replaces cysteine, which is neutral and slightly polar, with tyrosine, which is neutral and polar, at codon 250 of the RPGR protein (p.Cys250Tyr). This variant disrupts the p.Cys250 amino acid residue in RPGR. Other variant(s) that disrupt this residue have been observed in individuals with RPGR-related conditions (PMID: 8673101), which suggests that this may be a clinically significant amino acid residue. Advanced modeling of protein sequence and biophysical properties (such as structural, functional, and spatial information, amino acid conservation, physicochemical variation, residue mobility, and thermodynamic stability) performed at Invitae indicates that this missense variant is expected to disrupt RPGR protein function. ClinVar contains an entry for this variant (Variation ID: 803970). This missense change has been observed in individuals with retinitis pigmentosa and retinal dystrophy (PMID: 11992260; Invitae). This variant is not present in population databases (gnomAD no frequency). In summary, the currently available evidence indicates that the variant is pathogenic, but additional data are needed to prove that conclusively. Therefore, this variant has been classified as Likely Pathogenic.

Mendelics
Classification: Pathogenic for Retinitis pigmentosa. Last evaluated: 2019-05-28. Review status: criteria provided, single submitter. Criteria: Mendelics Assertion Criteria 2017. Collection method: clinical testing. Allele origin: unknown.

Literature cited by the submitters: PubMed 8673101 (cited by Labcorp Genetics (formerly Invitae), Labcorp); PubMed 11992260 (cited by Labcorp Genetics (formerly Invitae), Labcorp).